The following is an entry in ClinVar:

NM_002485.5(NBN):c.1911A>G (p.Ile637Met)

Genes: NBN (nibrin; minus strand), LOC126860438 (MED14-independent group 3 enhancer GRCh37_chr8:90959982-90961181; plus strand). Cytogenetic location: 8q21.3.
Variant type: single nucleotide variant.
Coding change: c.1911A>G on transcript NM_002485.5 (MANE Select); coding-DNA position 1911, A replaced by G.
Protein change: p.Ile637Met; replaces isoleucine 637 with methionine.
Molecular consequence: missense variant.
Genome position (GRCh38, 1-based): chr8:89,947,827, T>C on the plus strand (A>G on the coding strand, the complement: NBN is on the minus strand). VCF-style: chr8-89947827-T-C. GRCh37 (hg19) VCF-style: chr8-90960055-T-C.
Other names: c.1665A>G, p.Ile555Met (NM_001024688.3); short protein forms I555M, I637M.
Identifiers: ClinVar variation 834275 (VCV000834275.12), dbSNP rs372877871, ClinGen allele CA4802660.

ClinVar aggregate classification (germline): Uncertain significance. Review status: criteria provided, multiple submitters, no conflicts (2 of 4 stars). 2 submissions from 2 submitters: Uncertain significance (2). Last evaluated 2025-01-14.

Conditions:
Microcephaly, normal intelligence and immunodeficiency (NBS). Also called: Ataxia telangiectasia variant V1; Nijmegen breakage syndrome; Immunodeficiency, microcephaly with normal intelligence; IMMUNODEFICIENCY, MICROCEPHALY, AND CHROMOSOMAL INSTABILITY; SEEMANOVA SYNDROME II; BERLIN BREAKAGE SYNDROME. Identifiers: Orphanet 647, MedGen C0398791, MONDO:0009623, OMIM 251260.
Hereditary cancer-predisposing syndrome. Also called: Neoplastic Syndromes, Hereditary; Hereditary neoplastic syndrome; Tumor predisposition; Hereditary Cancer Syndrome. Identifiers: Orphanet 140162, MedGen C0027672, MeSH D009386, MONDO:0015356.

Allele frequency attached by ClinVar (database versions not stated): ExAC 0.00002; ESP Exome Variant Server 0.00008.

Submissions (2):

Ambry Genetics
Classification: Uncertain significance for Hereditary cancer-predisposing syndrome. Last evaluated: 2025-01-14. Review status: criteria provided, single submitter. Criteria: Ambry Variant Classification Scheme 2023. Collection method: clinical testing. Allele origin: germline.
Comment: The p.I637M variant (also known as c.1911A>G), located in coding exon 12 of the NBN gene, results from an A to G substitution at nucleotide position 1911. The isoleucine at codon 637 is replaced by methionine, an amino acid with highly similar properties. This amino acid position is conserved. In addition, this alteration is predicted to be tolerated by in silico analysis. Based on the available evidence, the clinical significance of this variant remains unclear.

Labcorp Genetics (formerly Invitae), Labcorp
Classification: Uncertain significance for Microcephaly, normal intelligence and immunodeficiency. Last evaluated: 2020-11-18. Review status: criteria provided, single submitter. Criteria: Invitae Variant Classification Sherloc (09022015). Collection method: clinical testing. Allele origin: germline.
Comment: In summary, the available evidence is currently insufficient to determine the role of this variant in disease. Therefore, it has been classified as a Variant of Uncertain Significance. Algorithms developed to predict the effect of missense changes on protein structure and function (SIFT, PolyPhen-2, Align-GVGD) all suggest that this variant is likely to be tolerated, but these predictions have not been confirmed by published functional studies and their clinical significance is uncertain. This variant has not been reported in the literature in individuals with NBN-related conditions. This variant is present in population databases (rs372877871, ExAC 0.004%). This sequence change replaces isoleucine with methionine at codon 637 of the NBN protein (p.Ile637Met). The isoleucine residue is weakly conserved and there is a small physicochemical difference between isoleucine and methionine.